The following is an entry in ClinVar:

NM_004369.4(COL6A3):c.4922T>A (p.Val1641Glu)

Gene: COL6A3 (collagen type VI alpha 3 chain; minus strand). Cytogenetic location: 2q37.3.
Variant type: single nucleotide variant.
Coding change: c.4922T>A on transcript NM_004369.4 (MANE Select); coding-DNA position 4922, T replaced by A.
Protein change: p.Val1641Glu; replaces valine 1641 with glutamic acid.
Molecular consequence: missense variant.
Genome position (GRCh38, 1-based): chr2:237,367,265, A>T on the plus strand (T>A on the coding strand, the complement: COL6A3 is on the minus strand). VCF-style: chr2-237367265-A-T. GRCh37 (hg19) VCF-style: chr2-238275908-A-T.
Other names: c.3101T>A, p.Val1034Glu (NM_057166.5); c.4304T>A, p.Val1435Glu (NM_057167.4); short protein forms V1641E, V1034E, V1435E.
Identifiers: ClinVar variation 576384 (VCV000576384.9), dbSNP rs1559237565, ClinGen allele CA351190186.

ClinVar aggregate classification (germline): Uncertain significance (1 of 4 stars; one submission).

Conditions:
Bethlem myopathy 1A. Also called: Bethlem myopathy 1; MYOPATHY, BENIGN CONGENITAL, WITH CONTRACTURES; Bethlem Muscular Dystrophy. Identifiers: Orphanet 610, MedGen CN029274, MONDO:0024530, OMIM 158810.

Submission:

Labcorp Genetics (formerly Invitae), Labcorp
Classification: Uncertain significance for Bethlem myopathy 1A. Last evaluated: 2018-05-06. Review status: criteria provided, single submitter. Criteria: Invitae Variant Classification Sherloc (09022015). Collection method: clinical testing. Allele origin: germline.
Comment: This sequence change replaces valine with glutamic acid at codon 1641 of the COL6A3 protein (p.Val1641Glu). The valine residue is highly conserved and there is a moderate physicochemical difference between valine and glutamic acid. In summary, the available evidence is currently insufficient to determine the role of this variant in disease. Therefore, it has been classified as a Variant of Uncertain Significance. Algorithms developed to predict the effect of missense changes on protein structure and function do not agree on the potential impact of this missense change (SIFT: "Deleterious"; PolyPhen-2: "Probably Damaging"; Align-GVGD: "Class C15"). This variant has not been reported in the literature in individuals with COL6A3-related disease. This variant is not present in population databases (ExAC no frequency).